The following is an entry in ClinVar:

NM_015122.3(FCHO1):c.2075A>G (p.Asn692Ser)

Gene: FCHO1 (FCH and mu domain containing endocytic adaptor 1; plus strand). Cytogenetic location: 19p13.11.
Variant type: single nucleotide variant.
Coding change: c.2075A>G on transcript NM_015122.3 (MANE Select); coding-DNA position 2075, A replaced by G.
Protein change: p.Asn692Ser; replaces asparagine 692 with serine.
Molecular consequence: missense variant. On other transcripts: non-coding transcript variant (36).
Genome position (GRCh38, 1-based): chr19:17,783,154, A>G. VCF-style: chr19-17783154-A-G. GRCh37 (hg19) VCF-style: chr19-17893963-A-G.
Other names: c.2075A>G, p.Asn692Ser (NM_001161357.2, NM_001161358.2, NM_001384370.1 and 13 more transcripts); c.1925A>G, p.Asn642Ser (NM_001161359.2, NM_001384384.1, NM_001384385.1 and 1 more transcripts); c.2036A>G, p.Asn679Ser (NM_001384388.1, NM_001384389.1, NM_001384405.1); c.2000A>G, p.Asn667Ser (NM_001384390.1); c.1958A>G, p.Asn653Ser (NM_001384392.1, NM_001384393.1, NM_001384394.1 and 1 more transcripts); c.1799A>G, p.Asn600Ser (NM_001384396.1, NM_001384397.1, NM_001384398.1 and 5 more transcripts); c.1754A>G, p.Asn585Ser (NM_001384403.1); c.1649A>G, p.Asn550Ser (NM_001384406.1); and 1 more; short protein forms N502S, N585S, N679S, N600S, N642S, N692S, N653S, N667S.
Identifiers: ClinVar variation 1462845 (VCV001462845.6), dbSNP rs768529564, ClinGen allele CA9300730.

ClinVar aggregate classification (germline): Uncertain significance (1 of 4 stars; one submission).

Allele frequency attached by ClinVar (database versions not stated): gnomAD exomes 0.00001 and 0.00002; ExAC 0.00004.
gnomAD v4.1: 15 of 1,614,072 alleles (0.00093%); highest among the groups gnomAD compares: Middle Eastern, 0.016%; no homozygotes.

Submission:

Labcorp Genetics (formerly Invitae), Labcorp
Classification: Uncertain significance. Last evaluated: 2023-12-11. Review status: criteria provided, single submitter. Criteria: Invitae Variant Classification Sherloc (09022015). Collection method: clinical testing. Allele origin: germline.
Comment: This sequence change replaces asparagine, which is neutral and polar, with serine, which is neutral and polar, at codon 692 of the FCHO1 protein (p.Asn692Ser). This variant is present in population databases (rs768529564, gnomAD 0.007%). This variant has not been reported in the literature in individuals affected with FCHO1-related conditions. ClinVar contains an entry for this variant (Variation ID: 1462845). Algorithms developed to predict the effect of missense changes on protein structure and function output the following: SIFT: "Not Available"; PolyPhen-2: "Benign"; Align-GVGD: "Not Available". The serine amino acid residue is found in multiple mammalian species, which suggests that this missense change does not adversely affect protein function. In summary, the available evidence is currently insufficient to determine the role of this variant in disease. Therefore, it has been classified as a Variant of Uncertain Significance.